The following is an entry in ClinVar:

ClinVar aggregate classification (germline): Uncertain significance (1 of 4 stars; one submission).

Conditions:
PURA-related severe neonatal hypotonia-seizures-encephalopathy syndrome (NEDRIHF). Also called: NEURODEVELOPMENTAL DISORDER WITH NEONATAL RESPIRATORY INSUFFICIENCY, HYPOTONIA, AND FEEDING DIFFICULTIES; PURA-Related Neurodevelopmental Disorders. Identifiers: Orphanet 438213, Orphanet 438216, MedGen C4015357, MONDO:1060108, OMIM 616158, MONDO:0018580.

Submission:

Labcorp Genetics (formerly Invitae), Labcorp
Classification: Uncertain significance for PURA-related severe neonatal hypotonia-seizures-encephalopathy syndrome. Last evaluated: 2021-09-05. Review status: criteria provided, single submitter. Criteria: Invitae Variant Classification Sherloc (09022015). Collection method: clinical testing. Allele origin: germline.
Comment: This variant results in a copy number gain of the genomic region encompassing the full coding sequence of the PURA gene. The boundaries of this event are unknown as they extend beyond the assayed region for this gene and therefore may encompass additional genes. As the precise location of this event is unknown, it may be in tandem or it may be located elsewhere in the genome. This variant has not been reported in the literature in individuals with PURA-related conditions. In summary, the available evidence is currently insufficient to determine the role of this variant in disease. Therefore, it has been classified as a Variant of Uncertain Significance.

NC_000005.9:g.(?_136957787)_(140078137_?)dup

Genes: HARS2 (histidyl-tRNA synthetase 2, mitochondrial; plus strand), EIF4EBP3 (eukaryotic translation initiation factor 4E binding protein 3; plus strand), HBEGF (heparin binding EGF like growth factor; minus strand), KIF20A (kinesin family member 20A; plus strand), STING1 (stimulator of interferon response cGAMP interactor 1; minus strand) and 50 more. Cytogenetic location: 5q31.2-31.3.
Variant type: Duplication.
Identifiers: ClinVar variation 2425421 (VCV002425421.6).